The following is an entry in ClinVar:

ClinVar aggregate classification (germline): Uncertain significance. Review status: criteria provided, multiple submitters, no conflicts (2 of 4 stars). 2 submissions from 2 submitters: Uncertain significance (2). Last evaluated 2025-01-20.

Conditions:
Cardiovascular phenotype. Identifiers: MedGen CN230736.
Long QT syndrome (LQTS). Identifiers: MedGen C0023976, MeSH D008133, MONDO:0002442. Disease mechanism: loss of function. Inheritance: Various modes of inheritance.

Allele frequency attached by ClinVar (database versions not stated): gnomAD 0.00001; TOPMed 0.00001; gnomAD exomes 0.00003.
gnomAD v4.1: 50 of 1,613,360 alleles (0.0031%); highest among the groups gnomAD compares: Non-Finnish European, 0.004%; no homozygotes.

Submissions (2):

Ambry Genetics
Classification: Uncertain significance for Cardiovascular phenotype. Last evaluated: 2025-01-20. Review status: criteria provided, single submitter. Criteria: Ambry Variant Classification Scheme 2023. Collection method: clinical testing. Allele origin: germline.

Labcorp Genetics (formerly Invitae), Labcorp
Classification: Uncertain significance for Long QT syndrome. Last evaluated: 2024-10-28. Review status: criteria provided, single submitter. Criteria: Invitae Variant Classification Sherloc (09022015). Collection method: clinical testing. Allele origin: germline.
Comment: This sequence change replaces lysine, which is basic and polar, with threonine, which is neutral and polar, at codon 3626 of the ANK2 protein (p.Lys3626Thr). This variant is not present in population databases (gnomAD no frequency). This variant has not been reported in the literature in individuals affected with ANK2-related conditions. ClinVar contains an entry for this variant (Variation ID: 2062390). Invitae Evidence Modeling of protein sequence and biophysical properties (such as structural, functional, and spatial information, amino acid conservation, physicochemical variation, residue mobility, and thermodynamic stability) indicates that this missense variant is not expected to disrupt ANK2 protein function with a negative predictive value of 80%. In summary, the available evidence is currently insufficient to determine the role of this variant in disease. Therefore, it has been classified as a Variant of Uncertain Significance.

NM_001148.6(ANK2):c.10877A>C (p.Lys3626Thr)

Gene: ANK2 (ankyrin 2; plus strand). Cytogenetic location: 4q26.
Variant type: single nucleotide variant.
Coding change: c.10877A>C on transcript NM_001148.6 (MANE Select); coding-DNA position 10877, A replaced by C.
Protein change: p.Lys3626Thr; replaces lysine 3626 with threonine.
Molecular consequence: missense variant.
Genome position (GRCh38, 1-based): chr4:113,363,458, A>C. VCF-style: chr4-113363458-A-C. GRCh37 (hg19) VCF-style: chr4-114284614-A-C.
Other names: c.4595A>C, p.Lys1532Thr (NM_001127493.3); c.4634A>C, p.Lys1545Thr (NM_001354225.2); c.4523A>C, p.Lys1508Thr (NM_001354228.2, NM_001354258.2); c.4601A>C, p.Lys1534Thr (NM_001354230.2); c.4664A>C, p.Lys1555Thr (NM_001354231.2, NM_001354242.2); c.4460A>C, p.Lys1487Thr (NM_001354245.2, NM_001354262.2, NM_001354275.2); c.4619A>C, p.Lys1540Thr (NM_001354246.2, NM_001354265.2, NM_001354235.2); c.4436A>C, p.Lys1479Thr (NM_001354249.2, NM_001354266.2, NM_001354267.2 and 2 more transcripts); and 35 more; short protein forms K1380T, K1494T, K1508T, K1520T, K1540T, K1545T, K3548T, K3665T.
Identifiers: ClinVar variation 2062390 (VCV002062390.7), dbSNP rs1190880233, ClinGen allele CA357941437.